The following is an entry in ClinVar:

ClinVar aggregate classification (germline): Uncertain significance (1 of 4 stars; one submission).

Allele frequency attached by ClinVar (database versions not stated): gnomAD 0.00001; gnomAD exomes 0.00002 and 0.00004; TOPMed 0.00002; ExAC 0.00005.
gnomAD v4.1: 25 of 1,551,688 alleles (0.0016%); highest among the groups gnomAD compares: Non-Finnish European, 0.0015%; no homozygotes.

Submission:

Labcorp Genetics (formerly Invitae), Labcorp
Classification: Uncertain significance. Last evaluated: 2025-07-20. Review status: criteria provided, single submitter. Criteria: Invitae Variant Classification Sherloc (09022015). Collection method: clinical testing. Allele origin: germline.
Comment: This sequence change replaces isoleucine, which is neutral and non-polar, with methionine, which is neutral and non-polar, at codon 182 of the LIPT2 protein (p.Ile182Met). This variant is present in population databases (rs761309052, gnomAD 0.04%). This variant has not been reported in the literature in individuals affected with LIPT2-related conditions. ClinVar contains an entry for this variant (Variation ID: 1403856). An algorithm developed to predict the effect of missense changes on protein structure and function (PolyPhen-2) suggests that this variant is likely to be disruptive. In summary, the available evidence is currently insufficient to determine the role of this variant in disease. Therefore, it has been classified as a Variant of Uncertain Significance.

NM_001144869.3(LIPT2):c.546C>G (p.Ile182Met)

Gene: LIPT2 (lipoyl(octanoyl) transferase 2; minus strand). Cytogenetic location: 11q13.4.
Variant type: single nucleotide variant.
Coding change: c.546C>G on transcript NM_001144869.3 (MANE Select); coding-DNA position 546, C replaced by G.
Protein change: p.Ile182Met; replaces isoleucine 182 with methionine.
Molecular consequence: missense variant.
Genome position (GRCh38, 1-based): chr11:74,492,285, G>C on the plus strand (C>G on the coding strand, the complement: LIPT2 is on the minus strand). VCF-style: chr11-74492285-G-C. GRCh37 (hg19) VCF-style: chr11-74203330-G-C.
Other names: c.584C>G, p.Ser195Trp (NM_001329941.2); c.317C>G, p.Ser106Trp (NM_001329942.2); short protein forms I182M, S195W, S106W.
Identifiers: ClinVar variation 1403856 (VCV001403856.6), dbSNP rs761309052, ClinGen allele CA6184908.